The following is an entry in ClinVar:

ClinVar aggregate classification (germline): Uncertain significance. Review status: criteria provided, multiple submitters, no conflicts (2 of 4 stars). 3 submissions from 3 submitters: Uncertain significance (2). 1 of the submissions does not count toward it. Last evaluated 2025-09-16.

Conditions:
Encephalopathy, acute, infection-induced (herpes-specific), susceptibility to, 6. Also called: Herpes simplex encephalitis, susceptibility to, 4. Identifiers: Orphanet 1930, MedGen C3553869, MONDO:0013921, OMIM 614850.

Allele frequency attached by ClinVar (database versions not stated): ExAC 0.00005; gnomAD exomes 0.00005 and 0.00006; TOPMed 0.00005; gnomAD 0.00005.

Submissions (3):

Ambry Genetics
Classification: Uncertain significance. Last evaluated: 2025-09-16. Review status: criteria provided, single submitter. Criteria: Ambry Variant Classification Scheme 2023. Collection method: clinical testing. Allele origin: germline.

Labcorp Genetics (formerly Invitae), Labcorp
Classification: Uncertain significance for Encephalopathy, acute, infection-induced (herpes-specific), susceptibility to, 6. Last evaluated: 2022-07-19. Review status: criteria provided, single submitter. Criteria: Invitae Variant Classification Sherloc (09022015). Collection method: clinical testing. Allele origin: germline.
Comment: This sequence change replaces serine, which is neutral and polar, with threonine, which is neutral and polar, at codon 189 of the TICAM1 protein (p.Ser189Thr). This variant is present in population databases (rs747441149, gnomAD 0.009%). This variant has not been reported in the literature in individuals affected with TICAM1-related conditions. ClinVar contains an entry for this variant (Variation ID: 845325). Algorithms developed to predict the effect of missense changes on protein structure and function are either unavailable or do not agree on the potential impact of this missense change (SIFT: "Deleterious"; PolyPhen-2: "Probably Damaging"; Align-GVGD: "Class C0"). In summary, the available evidence is currently insufficient to determine the role of this variant in disease. Therefore, it has been classified as a Variant of Uncertain Significance.

Department of Pathology and Laboratory Medicine, Sinai Health System
Classification: Uncertain significance. Review status: no assertion criteria provided. Collection method: clinical testing. Allele origin: unknown. Affected: yes. Study: The Canadian Open Genetics Repository (COGR). Not counted in ClinVar's aggregate classification.
Comment: The TICAM1 p.Ser189Thr variant was not identified in the literature nor was it identified in ClinVar, Cosmic or LOVD 3.0. The variant was identified in dbSNP (ID: rs747441149) and in control databases in 16 of 268448 chromosomes at a frequency of 0.00006 (Genome Aggregation Database Feb 27, 2017). The variant was observed in the following populations: Other in 2 of 6954 chromosomes (freq: 0.000288), European (non-Finnish) in 13 of 123014 chromosomes (freq: 0.000106) and South Asian in 1 of 29266 chromosomes (freq: 0.000034), while the variant was not observed in the African, Latino, Ashkenazi Jewish, East Asian and European (Finnish) populations. The variant occurs outside of the splicing consensus sequence and 2 of 4 in silico or computational prediction software programs predict a greater than 10% difference in splicing: GeneSplicer predicts the gain of a 5' splice site and MaxEntScan predicts the gain of a 3' splice site both at c.572; this is not very predictive of pathogenicity. The p.Ser189 residue is conserved in mammals and computational analyses (PolyPhen-2, SIFT, AlignGVGD, BLOSUM, MutationTaster) provide inconsistent predictions regarding the impact to the protein; this information is not very predictive of pathogenicity. In summary, based on the above information the clinical significance of this variant cannot be determined with certainty at this time. This variant is classified as a variant of uncertain significance.

NM_182919.4(TICAM1):c.566G>C (p.Ser189Thr)

Gene: TICAM1 (TIR domain containing adaptor molecule 1; minus strand). Cytogenetic location: 19p13.3.
Variant type: single nucleotide variant.
Coding change: c.566G>C on transcript NM_182919.4 (MANE Select); coding-DNA position 566, G replaced by C.
Protein change: p.Ser189Thr; replaces serine 189 with threonine.
Molecular consequence: missense variant.
Genome position (GRCh38, 1-based): chr19:4,817,812, C>G on the plus strand (G>C on the coding strand, the complement: TICAM1 is on the minus strand). VCF-style: chr19-4817812-C-G. GRCh37 (hg19) VCF-style: chr19-4817824-C-G.
Other names: c.566G>C (NM_182919.2); short protein forms S189T.
Identifiers: ClinVar variation 845325 (VCV000845325.8), dbSNP rs747441149, ClinGen allele CA9105325.